The following is an entry in ClinVar:

ClinVar aggregate classification (germline): Uncertain significance (1 of 4 stars; one submission).

Submission:

Labcorp Genetics (formerly Invitae), Labcorp
Classification: Uncertain significance. Last evaluated: 2023-01-25. Review status: criteria provided, single submitter. Criteria: Invitae Variant Classification Sherloc (09022015). Collection method: clinical testing. Allele origin: germline.
Comment: This sequence change affects codon 105 of the POLR3F mRNA. It is a 'silent' change, meaning that it does not change the encoded amino acid sequence of the POLR3F protein. This variant is not present in population databases (gnomAD no frequency). This variant has not been reported in the literature in individuals affected with POLR3F-related conditions. In summary, the available evidence is currently insufficient to determine the role of this variant in disease. Therefore, it has been classified as a Variant of Uncertain Significance.

NM_006466.4(POLR3F):c.438A>G (p.Lys146=)

Gene: POLR3F (RNA polymerase III subunit F; plus strand). Cytogenetic location: 20p11.23.
Variant type: single nucleotide variant.
Coding change: c.438A>G on transcript NM_006466.4 (MANE Select); coding-DNA position 438, A replaced by G.
Protein change: p.Lys146=; no amino-acid change (lysine 146 retained).
Molecular consequence: synonymous variant. On other transcripts: non-coding transcript variant (1), intron variant (1).
Genome position (GRCh38, 1-based): chr20:18,480,046, A>G. VCF-style: chr20-18480046-A-G. GRCh37 (hg19) VCF-style: chr20-18460690-A-G.
Other names: c.315A>G, p.Lys105= (NM_001282526.2); c.430-356A>G (NM_001410821.1).
Identifiers: ClinVar variation 2007760 (VCV002007760.4), dbSNP rs2517425214, ClinGen allele CA509828128.